The following is an entry in ClinVar:

NM_153700.2(STRC):c.4260G>A (p.Lys1420=)

Gene: STRC (stereocilin; minus strand). Cytogenetic location: 15q15.3.
Variant type: single nucleotide variant.
Coding change: c.4260G>A on transcript NM_153700.2 (MANE Select); coding-DNA position 4260, G replaced by A.
Protein change: p.Lys1420=; no amino-acid change (lysine 1420 retained).
Molecular consequence: synonymous variant.
Genome position (GRCh38, 1-based): chr15:43,604,111, C>T on the plus strand (G>A on the coding strand, the complement: STRC is on the minus strand). VCF-style: chr15-43604111-C-T. GRCh37 (hg19) VCF-style: chr15-43896309-C-T.
Identifiers: ClinVar variation 227968 (VCV000227968.7), dbSNP rs140545217, ClinGen allele CA7528089.

ClinVar aggregate classification (germline): Likely benign. Review status: criteria provided, multiple submitters, no conflicts (2 of 4 stars). 3 submissions from 3 submitters: Likely benign (3). Last evaluated 2024-10-10.

Allele frequency attached by ClinVar (database versions not stated): gnomAD exomes 0.00008; gnomAD 0.00009; 1000 Genomes Project 30x 0.00016; 1000 Genomes Project 0.00020; ExAC 0.00049.

Submissions (3):

Blueprint Genetics
Classification: Likely benign. Last evaluated: 2024-10-10. Review status: criteria provided, single submitter. Criteria: ACMG Guidelines, 2015. Collection method: clinical testing. Allele origin: germline.

Laboratory for Molecular Medicine, Mass General Brigham Personalized Medicine
Classification: Likely benign. Last evaluated: 2015-04-21. Review status: criteria provided, single submitter. Criteria: LMM Criteria. Collection method: clinical testing. Allele origin: germline. Observed: 1 variant allele.
Comment: p.Lys1420Lys in exon 22 of STRC: This variant is not expected to have clinical s ignificance because it does not alter an amino acid residue and is not located w ithin the splice consensus sequence. It has been identified in 0.1% (50/58348) o f European chromosomes by the Exome Aggregation Consortium (ExAC; dbSNP rs140545217).

Breakthrough Genomics
Classification: Likely benign. Review status: criteria provided, single submitter. Criteria: ACMG Guidelines, 2015. Collection method: not provided. Allele origin: germline. Inheritance: Autosomal recessive inheritance. Affected: yes.